The following is an entry in ClinVar:

ClinVar aggregate classification (germline): Uncertain significance (1 of 4 stars; one submission).

Conditions:
Inborn genetic diseases. Identifiers: MedGen C0950123, MeSH D030342.

Submission:

Ambry Genetics
Classification: Uncertain significance for Inborn genetic diseases. Last evaluated: 2025-11-24. Review status: criteria provided, single submitter. Criteria: Ambry Variant Classification Scheme 2023. Collection method: clinical testing. Allele origin: germline.
Comment: The p.T21M variant (also known as c.62C>T), located in coding exon 1 of the KDM1A gene, results from a C to T substitution at nucleotide position 62. The threonine at codon 21 is replaced by methionine, an amino acid with similar properties. This amino acid position is conserved. In addition, this alteration is predicted to be tolerated by in silico analysis. Based on the available evidence, the clinical significance of this variant remains unclear.

NM_001009999.3(KDM1A):c.62C>T (p.Thr21Met)

Gene: KDM1A (lysine demethylase 1A; plus strand). Cytogenetic location: 1p36.12.
Variant type: single nucleotide variant.
Coding change: c.62C>T on transcript NM_001009999.3 (MANE Select); coding-DNA position 62, C replaced by T.
Protein change: p.Thr21Met; replaces threonine 21 with methionine.
Molecular consequence: missense variant.
Genome position (GRCh38, 1-based): chr1:23,019,658, C>T. VCF-style: chr1-23019658-C-T. GRCh37 (hg19) VCF-style: chr1-23346151-C-T.
Other names: c.62C>T, p.Thr21Met (NM_001363654.2, NM_001410762.1, NM_001410763.1 and 1 more transcripts); short protein forms T21M.
Identifiers: ClinVar variation 4622723 (VCV004622723.1).
Genomic context (GRCh38, chr1:23,019,658, plus strand): 5'-TGTTATCTGGGAAGAAGGCGGCAGCCGCGGCGGCGGCGGCTGCAGCGGCAGCAACCGGGA[C>T]GGAGGCTGGCCCTGGGACAGCAGGCGGCTCCGAGAACGGGTCTGAGGTGGCCGCGCAGCC-3'
Protein context (NP_001009999.1, residues 11-31): AAAAAAAATG[Thr21Met]EAGPGTAGGS